The following is an entry in ClinVar:

NM_000337.6(SGCD):c.*7521G>A

Gene: SGCD (sarcoglycan delta; plus strand). Cytogenetic location: 5q33.3.
Variant type: single nucleotide variant.
Coding change: c.*7521G>A on transcript NM_000337.6 (MANE Select); 7521 bases downstream of the stop codon, G replaced by A.
Molecular consequence: 3 prime UTR variant.
Genome position (GRCh38, 1-based): chr5:156,766,911, G>A. VCF-style: chr5-156766911-G-A. GRCh37 (hg19) VCF-style: chr5-156193922-G-A.
Other names: NC_000005.9:g.156193922G>A; c.*7521G>A (NM_001128209.2).
Identifiers: ClinVar variation 352442 (VCV000352442.7), dbSNP rs150418759, ClinGen allele CA10619828.

ClinVar aggregate classification (germline): Likely benign (1 of 4 stars; one submission).

Conditions:
Qualitative or quantitative defects of delta-sarcoglycan. Identifiers: Orphanet 207070, MedGen C5680806, MONDO:0016144.

Allele frequency attached by ClinVar (database versions not stated): 1000 Genomes Project 0.00260; 1000 Genomes Project 30x 0.00281; gnomAD 0.00297 and 0.00300; TOPMed 0.00358.

Submissions (3):

Illumina Laboratory Services, Illumina
Classification: Likely benign for Qualitative or quantitative defects of delta-sarcoglycan. Last evaluated: 2018-01-13. Review status: criteria provided, single submitter. Criteria: ICSL Variant Classification Criteria 13 December 2019. Collection method: clinical testing. Allele origin: germline.
Comment: This variant was observed in the ICSL laboratory as part of a predisposition screen in an ostensibly healthy population. It had not been previously curated by ICSL or reported in the Human Gene Mutation Database (HGMD: prior to June 1st, 2018), and was therefore a candidate for classification through an automated scoring system. Utilizing variant allele frequency, disease prevalence and penetrance estimates, and inheritance mode, an automated score was calculated to assess if this variant is too frequent to cause the disease. Based on the score and internal cut-off values, a variant classified as likely benign is not then subjected to further curation. The score for this variant resulted in a classification of likely benign for this disease.

Dr. Peter K. Rogan Lab, Western University
No classification provided (evidence only). Condition: Ovarian serous cystadenocarcinoma. Review status: no classification provided. Collection method: in vitro. Allele origin: not applicable. Functional consequence: retained intron. Not counted in ClinVar's aggregate classification.

Dr. Peter K. Rogan Lab, Western University
No classification provided (evidence only). Condition: Ovarian serous cystadenocarcinoma. Review status: no classification provided. Collection method: in vitro. Allele origin: not applicable. Functional consequence: retained intron. Not counted in ClinVar's aggregate classification.